The following is an entry in ClinVar:

NM_005529.7(HSPG2):c.2586C>T (p.Pro862=)

Gene: HSPG2 (heparan sulfate proteoglycan 2; minus strand). Cytogenetic location: 1p36.12.
Variant type: single nucleotide variant.
Coding change: c.2586C>T on transcript NM_005529.7 (MANE Select); coding-DNA position 2586, C replaced by T.
Protein change: p.Pro862=; no amino-acid change (proline 862 retained).
Molecular consequence: synonymous variant.
Genome position (GRCh38, 1-based): chr1:21,878,464, G>A on the plus strand (C>T on the coding strand, the complement: HSPG2 is on the minus strand). VCF-style: chr1-21878464-G-A. GRCh37 (hg19) VCF-style: chr1-22204957-G-A.
Other names: c.2589C>T, p.Pro863= (NM_001291860.2).
Identifiers: ClinVar variation 722098 (VCV000722098.14), dbSNP rs143110975, ClinGen allele CA672985.
Genomic context (GRCh38, chr1:21,878,464, plus strand): 5'-TGTCAGGGGATGGTGGCAGCCATACTCACTGACGGGCCTGCACTTCCCGCCGGGCTGGAT[G>A]GGGTTGCCCTCGTATCCGGGGGCACAGCTAGGGGAGAGAGGGGGCCGCCATCAGCACTTC-3'
Protein context (NP_005520.4, residues 852-872): ESCAPGYEGN[Pro862=]IQPGGKCRPV

ClinVar aggregate classification (germline): Benign/Likely benign. Review status: criteria provided, multiple submitters, no conflicts (2 of 4 stars). 5 submissions from 5 submitters: Benign (2); Likely benign (3). Last evaluated 2026-01-27.

Conditions:
HSPG2-related disorder. Also called: HSPG2-related condition; HSPG2-related disorders.

Allele frequency attached by ClinVar (database versions not stated): gnomAD 0.00161 and 0.00168; 1000 Genomes Project 0.00180; ESP Exome Variant Server 0.00185; TOPMed 0.00195; 1000 Genomes Project 30x 0.00203; gnomAD exomes 0.00018 and 0.00039; ExAC 0.00055.
gnomAD v4.1: 512 of 1,610,032 alleles (0.032%); highest among the groups gnomAD compares: African/African-American, 0.6%; no homozygotes.

Submissions (5):

Labcorp Genetics (formerly Invitae), Labcorp
Classification: Benign. Last evaluated: 2026-01-27. Review status: criteria provided, single submitter. Criteria: Invitae Variant Classification Sherloc (09022015). Collection method: clinical testing. Allele origin: germline.

PreventionGenetics, part of Exact Sciences
Classification: Likely benign for HSPG2-related condition. Last evaluated: 2025-06-16. Review status: criteria provided, single submitter. Criteria: ACMG Guidelines, 2015. Collection method: clinical testing. Allele origin: germline.
Comment: This variant is classified as likely benign based on ACMG/AMP sequence variant interpretation guidelines (Richards et al. 2015 PMID: 25741868, with internal and published modifications).

ARUP Laboratories, Molecular Genetics and Genomics, ARUP Laboratories
Classification: Likely benign. Last evaluated: 2024-12-27. Review status: criteria provided, single submitter. Criteria: ARUP Molecular Germline Variant Investigation Process 2024. Collection method: clinical testing. Allele origin: germline.

Blueprint Genetics
Classification: Likely benign. Last evaluated: 2024-09-09. Review status: criteria provided, single submitter. Criteria: ACMG Guidelines, 2015. Collection method: clinical testing. Allele origin: germline.

Breakthrough Genomics
Classification: Benign. Review status: criteria provided, single submitter. Criteria: ACMG Guidelines, 2015. Collection method: not provided. Allele origin: germline. Inheritance: Autosomal recessive inheritance. Affected: yes.